The following is an entry in ClinVar:

ClinVar aggregate classification (germline): Uncertain significance. Review status: criteria provided, multiple submitters, no conflicts (2 of 4 stars). 2 submissions from 2 submitters: Uncertain significance (2). Last evaluated 2024-08-11.

Allele frequency attached by ClinVar (database versions not stated): gnomAD exomes below 0.00001; TOPMed below 0.00001; ExAC 0.00001; gnomAD 0.00001.
gnomAD v4.1: 5 of 1,614,010 alleles (0.00031%); highest among the groups gnomAD compares: Non-Finnish European, 0.00034%; no homozygotes.

Submissions (2):

Labcorp Genetics (formerly Invitae), Labcorp
Classification: Uncertain significance. Last evaluated: 2024-08-11. Review status: criteria provided, single submitter. Criteria: Invitae Variant Classification Sherloc (09022015). Collection method: clinical testing. Allele origin: germline.
Comment: This sequence change replaces cysteine, which is neutral and slightly polar, with tyrosine, which is neutral and polar, at codon 1919 of the CACNA1D protein (p.Cys1919Tyr). This variant is present in population databases (rs748445000, gnomAD 0.002%). This variant has not been reported in the literature in individuals affected with CACNA1D-related conditions. ClinVar contains an entry for this variant (Variation ID: 1518952). An algorithm developed to predict the effect of missense changes on protein structure and function (PolyPhen-2) suggests that this variant is likely to be tolerated. In summary, the available evidence is currently insufficient to determine the role of this variant in disease. Therefore, it has been classified as a Variant of Uncertain Significance.

Blueprint Genetics
Classification: Uncertain significance. Last evaluated: 2023-07-13. Review status: criteria provided, single submitter. Criteria: ACMG Guidelines, 2015. Collection method: clinical testing. Allele origin: germline.

NM_001128840.3(CACNA1D):c.5696G>A (p.Cys1899Tyr)

Gene: CACNA1D (calcium voltage-gated channel subunit alpha1 D; plus strand). Cytogenetic location: 3p21.1.
Variant type: single nucleotide variant.
Coding change: c.5696G>A on transcript NM_001128840.3 (MANE Select); coding-DNA position 5696, G replaced by A.
Protein change: p.Cys1899Tyr; replaces cysteine 1899 with tyrosine.
Molecular consequence: missense variant.
Genome position (GRCh38, 1-based): chr3:53,805,093, G>A. VCF-style: chr3-53805093-G-A. GRCh37 (hg19) VCF-style: chr3-53839120-G-A.
Other names: c.5756G>A, p.Cys1919Tyr (NM_000720.4); c.5624G>A, p.Cys1875Tyr (NM_001128839.3); short protein forms C1899Y, C1919Y, C1875Y.
Identifiers: ClinVar variation 1518952 (VCV001518952.7), dbSNP rs748445000, ClinGen allele CA2455227.